The following is an entry in ClinVar:

ClinVar aggregate classification (germline): Conflicting classifications of pathogenicity. Review status: criteria provided, conflicting classifications (1 of 4 stars). 3 submissions from 3 submitters: Uncertain significance (1); Likely benign (2). Last evaluated 2025-09-23.

Conditions:
TSPEAR-related disorder. Also called: TSPEAR-related condition.

Allele frequency attached by ClinVar (database versions not stated): gnomAD exomes 0.00008; 1000 Genomes Project 0.00120; gnomAD 0.00012; TOPMed 0.00022; ExAC 0.00025; 1000 Genomes Project 30x 0.00094.
gnomAD v4.1: 130 of 1,614,154 alleles (0.0081%); highest among the groups gnomAD compares: East Asian, 0.25%; no homozygotes.

Submissions (3):

Labcorp Genetics (formerly Invitae), Labcorp
Classification: Likely benign. Last evaluated: 2025-09-23. Review status: criteria provided, single submitter. Criteria: Invitae Variant Classification Sherloc (09022015). Collection method: clinical testing. Allele origin: germline.

PreventionGenetics, part of Exact Sciences
Classification: Likely benign for TSPEAR-related condition. Last evaluated: 2024-12-04. Review status: criteria provided, single submitter. Criteria: ACMG Guidelines, 2015. Collection method: clinical testing. Allele origin: germline.
Comment: This variant is classified as likely benign based on ACMG/AMP sequence variant interpretation guidelines (Richards et al. 2015 PMID: 25741868, with internal and published modifications).

Blueprint Genetics
Classification: Uncertain significance. Last evaluated: 2024-06-28. Review status: criteria provided, single submitter. Criteria: ACMG Guidelines, 2015. Collection method: clinical testing. Allele origin: germline.

NM_144991.3(TSPEAR):c.872G>A (p.Arg291Gln)

Gene: TSPEAR (thrombospondin type laminin G domain and EAR repeats; minus strand). Cytogenetic location: 21q22.3.
Variant type: single nucleotide variant.
Coding change: c.872G>A on transcript NM_144991.3 (MANE Select); coding-DNA position 872, G replaced by A.
Protein change: p.Arg291Gln; replaces arginine 291 with glutamine.
Molecular consequence: missense variant.
Genome position (GRCh38, 1-based): chr21:44,528,502, C>T on the plus strand (G>A on the coding strand, the complement: TSPEAR is on the minus strand). VCF-style: chr21-44528502-C-T. GRCh37 (hg19) VCF-style: chr21-45948385-C-T.
Other names: c.668G>A, p.Arg223Gln (NM_001272037.2); c.872G>A (NM_144991.2); short protein forms R223Q, R291Q.
Identifiers: ClinVar variation 2417618 (VCV002417618.7), dbSNP rs140421577, ClinGen allele CA10056819.